The following is an entry in ClinVar:

ClinVar aggregate classification (germline): Likely benign. Review status: criteria provided, single submitter (1 of 4 stars). 2 submissions from 2 submitters: Likely benign (1). 1 of the submissions does not count toward it. Last evaluated 2025-02-02.

Conditions:
Inborn genetic diseases. Identifiers: MedGen C0950123, MeSH D030342.
CEBPA-related disorder. Also called: CEBPA-related condition.

Allele frequency attached by ClinVar (database versions not stated): gnomAD exomes below 0.00001.

Submissions (2):

Ambry Genetics
Classification: Likely benign for Inborn genetic diseases. Last evaluated: 2025-02-02. Review status: criteria provided, single submitter. Criteria: Ambry Variant Classification Scheme 2023. Collection method: clinical testing. Allele origin: germline.

PreventionGenetics, part of Exact Sciences
Classification: Likely benign for CEBPA-related condition. Last evaluated: 2022-02-23. Review status: no assertion criteria provided. Collection method: clinical testing. Allele origin: germline. Not counted in ClinVar's aggregate classification.
Comment: This variant is classified as likely benign based on ACMG/AMP sequence variant interpretation guidelines (Richards et al. 2015 PMID: 25741868, with internal and published modifications).

NM_004364.5(CEBPA):c.369A>G (p.Gly123=)

Gene: CEBPA (CCAAT enhancer binding protein alpha; minus strand). Cytogenetic location: 19q13.11.
Variant type: single nucleotide variant.
Coding change: c.369A>G on transcript NM_004364.5 (MANE Select); coding-DNA position 369, A replaced by G.
Protein change: p.Gly123=; no amino-acid change (glycine 123 retained).
Molecular consequence: synonymous variant.
Genome position (GRCh38, 1-based): chr19:33,302,046, T>C on the plus strand (A>G on the coding strand, the complement: CEBPA is on the minus strand). VCF-style: chr19-33302046-T-C. GRCh37 (hg19) VCF-style: chr19-33792952-T-C.
Other names: c.12A>G, p.Gly4= (NM_001285829.2); c.474A>G, p.Gly158= (NM_001287424.2); c.327A>G, p.Gly109= (NM_001287435.2).
Identifiers: ClinVar variation 3055020 (VCV003055020.3), dbSNP rs2513331799, ClinGen allele CA507007857.